The following is an entry in ClinVar:

ClinVar aggregate classification (germline): Uncertain significance (1 of 4 stars; one submission).

Conditions:
Inborn genetic diseases. Identifiers: MedGen C0950123, MeSH D030342.

gnomAD v4.1: 1 of 1,613,560 alleles (0.000062%); highest among the groups gnomAD compares: East Asian, 0.0022%; no homozygotes.

Submission:

Ambry Genetics
Classification: Uncertain significance for Inborn genetic diseases. Last evaluated: 2025-03-24. Review status: criteria provided, single submitter. Criteria: Ambry Variant Classification Scheme 2023. Collection method: clinical testing. Allele origin: germline.
Comment: The p.I904V variant (also known as c.2710A>G), located in coding exon 1 of the SAMD9 gene, results from an A to G substitution at nucleotide position 2710. The isoleucine at codon 904 is replaced by valine, an amino acid with highly similar properties. This amino acid position is conserved. In addition, this alteration is predicted to be tolerated by in silico analysis. Based on the available evidence, the clinical significance of this variant remains unclear.

NM_017654.4(SAMD9):c.2710A>G (p.Ile904Val)

Gene: SAMD9 (sterile alpha motif domain containing 9; minus strand). Cytogenetic location: 7q21.2.
Variant type: single nucleotide variant.
Coding change: c.2710A>G on transcript NM_017654.4 (MANE Select); coding-DNA position 2710, A replaced by G.
Protein change: p.Ile904Val; replaces isoleucine 904 with valine.
Molecular consequence: missense variant.
Genome position (GRCh38, 1-based): chr7:93,103,388, T>C on the plus strand (A>G on the coding strand, the complement: SAMD9 is on the minus strand). VCF-style: chr7-93103388-T-C. GRCh37 (hg19) VCF-style: chr7-92732701-T-C.
Other names: c.2710A>G, p.Ile904Val (NM_001193307.2); short protein forms I904V.
Identifiers: ClinVar variation 3949475 (VCV003949475.1).